The following is an entry in ClinVar:

NM_006096.4(NDRG1):c.355G>C (p.Ala119Pro)

Gene: NDRG1 (N-myc downstream regulated 1; minus strand). Cytogenetic location: 8q24.22.
Variant type: single nucleotide variant.
Coding change: c.355G>C on transcript NM_006096.4 (MANE Select); coding-DNA position 355, G replaced by C.
Protein change: p.Ala119Pro; replaces alanine 119 with proline.
Molecular consequence: missense variant.
Genome position (GRCh38, 1-based): chr8:133,259,202, C>G on the plus strand (G>C on the coding strand, the complement: NDRG1 is on the minus strand). VCF-style: chr8-133259202-C-G. GRCh37 (hg19) VCF-style: chr8-134271445-C-G.
Other names: c.355G>C, p.Ala119Pro (NM_001135242.2, NM_001374844.1, NM_001374845.1 and 1 more transcripts); c.157G>C, p.Ala53Pro (NM_001258432.2, NM_001374847.1); c.112G>C, p.Ala38Pro (NM_001258433.2); short protein forms A38P, A53P, A119P.
Identifiers: ClinVar variation 840812 (VCV000840812.10), dbSNP rs1856537884, ClinGen allele CA372256058.

ClinVar aggregate classification (germline): Uncertain significance (1 of 4 stars; one submission).

Conditions:
Charcot-Marie-Tooth disease type 4. Also called: Charcot-Marie-Tooth disease, type IV; Charcot-Marie-Tooth, Type 4. Identifiers: Orphanet 64749, MedGen C4082197, MONDO:0018995.

Allele frequency attached by ClinVar (database versions not stated): gnomAD exomes below 0.00001.
gnomAD v4.1: 1 of 1,614,210 alleles (0.000062%); highest among the groups gnomAD compares: Non-Finnish European, 0.000085%; no homozygotes.

Submission:

Labcorp Genetics (formerly Invitae), Labcorp
Classification: Uncertain significance for Charcot-Marie-Tooth disease type 4. Last evaluated: 2021-08-03. Review status: criteria provided, single submitter. Criteria: Invitae Variant Classification Sherloc (09022015). Collection method: clinical testing. Allele origin: germline.
Comment: This sequence change replaces alanine with proline at codon 119 of the NDRG1 protein (p.Ala119Pro). The alanine residue is moderately conserved and there is a small physicochemical difference between alanine and proline. In summary, the available evidence is currently insufficient to determine the role of this variant in disease. Therefore, it has been classified as a Variant of Uncertain Significance. Algorithms developed to predict the effect of missense changes on protein structure and function are either unavailable or do not agree on the potential impact of this missense change (SIFT: "Tolerated"; PolyPhen-2: "Probably Damaging"; Align-GVGD: "Class C0"). This variant has not been reported in the literature in individuals with NDRG1-related conditions. This variant is not present in population databases (ExAC no frequency).